The following is an entry in ClinVar:

NM_001367721.1(CASK):c.1669-8C>G

Gene: CASK (calcium/calmodulin dependent serine protein kinase; minus strand). Cytogenetic location: Xp11.4.
Variant type: single nucleotide variant.
Coding change: c.1669-8C>G on transcript NM_001367721.1 (MANE Select); 8 bases into the intron before coding-DNA position 1669, C replaced by G.
Molecular consequence: intron variant.
Genome position (GRCh38, 1-based): chrX:41,559,855, G>C on the plus strand (C>G on the coding strand, the complement: CASK is on the minus strand). VCF-style: chrX-41559855-G-C. GRCh37 (hg19) VCF-style: chrX-41419108-G-C.
Other names: c.1669-8C>G (NM_003688.3, NM_001126054.3, NM_003688.4); c.1651-8C>G (NM_001126055.3, NM_001410745.1).
Identifiers: ClinVar variation 502248 (VCV000502248.17), dbSNP rs201327474, ClinGen allele CA10390152.

ClinVar aggregate classification (germline): Conflicting classifications of pathogenicity. Review status: criteria provided, conflicting classifications (1 of 4 stars). 4 submissions from 4 submitters: Uncertain significance (1); Benign (1); Likely benign (1). 1 of the submissions does not count toward it. Last evaluated 2025-05-07.

Conditions:
CASK-related disorder. Also called: CASK-related disorders; CASK-related condition.
Intellectual disability, CASK-related, X-linked. Identifiers: MedGen CN043158.

Allele frequency attached by ClinVar (database versions not stated): TOPMed 0.00004; gnomAD 0.00005 and 0.00007; gnomAD exomes 0.00007; ExAC 0.00008.
gnomAD v4.1: 143 of 1,197,362 alleles (0.012%); highest among the groups gnomAD compares: Non-Finnish European, 0.015%; no homozygotes.

Submissions (4):

Labcorp Genetics (formerly Invitae), Labcorp
Classification: Benign for Intellectual disability, CASK-related, X-linked. Last evaluated: 2025-05-07. Review status: criteria provided, single submitter. Criteria: Invitae Variant Classification Sherloc (09022015). Collection method: clinical testing. Allele origin: germline.

ARUP Laboratories, Molecular Genetics and Genomics, ARUP Laboratories
Classification: Likely benign. Last evaluated: 2024-03-12. Review status: criteria provided, single submitter. Criteria: ARUP Molecular Germline Variant Investigation Process 2024. Collection method: clinical testing. Allele origin: germline.

Eurofins Ntd Llc (ga)
Classification: Uncertain significance. Last evaluated: 2017-06-06. Review status: criteria provided, single submitter. Criteria: EGL Classification Definitions 2015. Collection method: clinical testing. Allele origin: germline. Observed: 1 variant allele, 1 heterozygote.

PreventionGenetics, part of Exact Sciences
Classification: Likely benign for CASK-related condition. Last evaluated: 2021-06-30. Review status: no assertion criteria provided. Collection method: clinical testing. Allele origin: germline. Not counted in ClinVar's aggregate classification.
Comment: This variant is classified as likely benign based on ACMG/AMP sequence variant interpretation guidelines (Richards et al. 2015 PMID: 25741868, with internal and published modifications).